The following is an entry in ClinVar:

ClinVar aggregate classification (germline): Conflicting classifications of pathogenicity. Review status: criteria provided, conflicting classifications (1 of 4 stars). 2 submissions from 2 submitters: Uncertain significance (1); Likely benign (1). Last evaluated 2024-03-28.

Conditions:
Hereditary cancer-predisposing syndrome. Also called: Tumor predisposition; Hereditary Cancer Syndrome; Hereditary neoplastic syndrome; Neoplastic Syndromes, Hereditary. Identifiers: Orphanet 140162, MedGen C0027672, MeSH D009386, MONDO:0015356.
Gastrointestinal stromal tumor. Also called: Gastrointestinal stroma tumor; Gastrointestinal stromal tumor, somatic. Identifiers: Orphanet 44890, MedGen C0238198, MeSH D046152, MONDO:0011719, OMIM 606764, HP:0100723.

Submissions (2):

Ambry Genetics
Classification: Likely benign for Hereditary cancer-predisposing syndrome. Last evaluated: 2024-03-28. Review status: criteria provided, single submitter. Criteria: Ambry Variant Classification Scheme 2023. Collection method: clinical testing. Allele origin: germline.

Labcorp Genetics (formerly Invitae), Labcorp
Classification: Uncertain significance for Gastrointestinal stromal tumor. Last evaluated: 2021-02-28. Review status: criteria provided, single submitter. Criteria: Invitae Variant Classification Sherloc (09022015). Collection method: clinical testing. Allele origin: germline.
Comment: In summary, the available evidence is currently insufficient to determine the role of this variant in disease. Therefore, it has been classified as a Variant of Uncertain Significance. This sequence change replaces serine with glycine at codon 66 of the PDGFRA protein (p.Ser66Gly). The serine residue is weakly conserved and there is a small physicochemical difference between serine and glycine. This variant is not present in population databases (ExAC no frequency). This variant has not been reported in the literature in individuals with PDGFRA-related conditions. Algorithms developed to predict the effect of missense changes on protein structure and function (SIFT, PolyPhen-2, Align-GVGD) all suggest that this variant is likely to be tolerated, but these predictions have not been confirmed by published functional studies and their clinical significance is uncertain.

NM_006206.6(PDGFRA):c.196A>G (p.Ser66Gly)

Gene: PDGFRA (platelet derived growth factor receptor alpha; plus strand). Cytogenetic location: 4q12.
Variant type: single nucleotide variant.
Coding change: c.196A>G on transcript NM_006206.6 (MANE Select); coding-DNA position 196, A replaced by G.
Protein change: p.Ser66Gly; replaces serine 66 with glycine.
Molecular consequence: missense variant.
Genome position (GRCh38, 1-based): chr4:54,261,241, A>G. VCF-style: chr4-54261241-A-G. GRCh37 (hg19) VCF-style: chr4-55127408-A-G.
Other names: c.196A>G, p.Ser66Gly (NM_001347827.2, NM_001347829.2); c.271A>G, p.Ser91Gly (NM_001347828.2); c.235A>G, p.Ser79Gly (NM_001347830.2); short protein forms S66G, S91G, S79G.
Identifiers: ClinVar variation 1420854 (VCV001420854.10), dbSNP rs143783500, ClinGen allele CA356888467.